The following is an entry in ClinVar:

NM_000257.4(MYH7):c.4919A>G (p.Gln1640Arg)

Genes: MHRT (myosin heavy chain associated RNA transcript; plus strand), MYH7 (myosin heavy chain 7; minus strand), LOC126861897 (BRD4-independent group 4 enhancer GRCh37_chr14:23884455-23885654; plus strand). Cytogenetic location: 14q11.2.
Variant type: single nucleotide variant.
Coding change: c.4919A>G on transcript NM_000257.4 (MANE Select); coding-DNA position 4919, A replaced by G.
Protein change: p.Gln1640Arg; replaces glutamine 1640 with arginine.
Molecular consequence: missense variant. On other transcripts: non-coding transcript variant (1).
Genome position (GRCh38, 1-based): chr14:23,416,038, T>C on the plus strand (A>G on the coding strand, the complement: MYH7 is on the minus strand). VCF-style: chr14-23416038-T-C. GRCh37 (hg19) VCF-style: chr14-23885247-T-C.
Other names: c.4919A>G, p.Gln1640Arg (NM_001407004.1); short protein forms Q1640R.
Identifiers: ClinVar variation 2730710 (VCV002730710.3), dbSNP rs756827282, ClinGen allele CA389037355.

ClinVar aggregate classification (germline): Uncertain significance (1 of 4 stars; one submission).

Conditions:
Hypertrophic cardiomyopathy. Also called: HYPERTROPHIC MYOCARDIOPATHY. Identifiers: Orphanet 217569, MedGen C0007194, MeSH D002312, MONDO:0005045, HP:0001639.

Allele frequency attached by ClinVar (database versions not stated): gnomAD 0.00001.
gnomAD v4.1: 5 of 1,614,088 alleles (0.00031%); highest among the groups gnomAD compares: Non-Finnish European, 0.00042%; no homozygotes.

Submission:

Labcorp Genetics (formerly Invitae), Labcorp
Classification: Uncertain significance for Hypertrophic cardiomyopathy. Last evaluated: 2023-04-10. Review status: criteria provided, single submitter. Criteria: Invitae Variant Classification Sherloc (09022015). Collection method: clinical testing. Allele origin: germline.
Comment: In summary, the available evidence is currently insufficient to determine the role of this variant in disease. Therefore, it has been classified as a Variant of Uncertain Significance. Advanced modeling of protein sequence and biophysical properties (such as structural, functional, and spatial information, amino acid conservation, physicochemical variation, residue mobility, and thermodynamic stability) performed at Invitae indicates that this missense variant is expected to disrupt MYH7 protein function. This missense change has been observed in individual(s) with clinical features of hypertrophic cardiomyopathy (PMID: 27532257). This variant is not present in population databases (gnomAD no frequency). This sequence change replaces glutamine, which is neutral and polar, with arginine, which is basic and polar, at codon 1640 of the MYH7 protein (p.Gln1640Arg).

Literature cited by the submitters: PubMed 27532257.